The following is an entry in ClinVar:

NM_000302.4(PLOD1):c.176G>C (p.Gly59Ala)

Gene: PLOD1 (procollagen-lysine,2-oxoglutarate 5-dioxygenase 1; plus strand). Cytogenetic location: 1p36.22.
Variant type: single nucleotide variant.
Coding change: c.176G>C on transcript NM_000302.4 (MANE Select); coding-DNA position 176, G replaced by C.
Protein change: p.Gly59Ala; replaces glycine 59 with alanine.
Molecular consequence: missense variant.
Genome position (GRCh38, 1-based): chr1:11,949,780, G>C. VCF-style: chr1-11949780-G-C. GRCh37 (hg19) VCF-style: chr1-12009837-G-C.
Other names: c.176G>C (NM_000302.3); c.317G>C, p.Gly106Ala (NM_001316320.2); short protein forms G106A, G59A.
Identifiers: ClinVar variation 1482139 (VCV001482139.6), dbSNP rs138106022, ClinGen allele CA597829.

ClinVar aggregate classification (germline): Uncertain significance. Review status: criteria provided, multiple submitters, no conflicts (2 of 4 stars). 2 submissions from 2 submitters: Uncertain significance (2). Last evaluated 2025-07-30.

Conditions:
Familial thoracic aortic aneurysm and aortic dissection (TAAD). Also called: Thoracic aortic aneurysms and dissections. Identifiers: Orphanet 91387, MedGen C4707243, MONDO:0019625.
Ehlers-Danlos syndrome, kyphoscoliotic type 1 (EDSKSCL1). Also called: EHLERS-DANLOS SYNDROME, OCULAR-SCOLIOTIC TYPE; Ehlers-Danlos syndrome, hydroxylysine-deficient; EHLERS-DANLOS SYNDROME, TYPE VIA; PLOD1-Related Kyphoscoliotic Ehlers-Danlos Syndrome. Identifiers: Orphanet 1900, MedGen C0268342, MONDO:0016002, OMIM 225400. Disease mechanism: loss of function.

Allele frequency attached by ClinVar (database versions not stated): gnomAD exomes below 0.00001; ExAC 0.00002; ESP Exome Variant Server 0.00015.
gnomAD v4.1: 1 of 1,614,036 alleles (0.000062%); highest among the groups gnomAD compares: African/African-American, 0.0013%; no homozygotes.

Submissions (2):

Ambry Genetics
Classification: Uncertain significance for Familial thoracic aortic aneurysm and aortic dissection. Last evaluated: 2025-07-30. Review status: criteria provided, single submitter. Criteria: Ambry Variant Classification Scheme 2023. Collection method: clinical testing. Allele origin: germline.
Comment: The p.G59A variant (also known as c.176G>C), located in coding exon 3 of the PLOD1 gene, results from a G to C substitution at nucleotide position 176. The glycine at codon 59 is replaced by alanine, an amino acid with similar properties. This amino acid position is conserved. In addition, this alteration is predicted to be deleterious by in silico analysis. Based on the available evidence, the clinical significance of this variant remains unclear.

Labcorp Genetics (formerly Invitae), Labcorp
Classification: Uncertain significance for Ehlers-Danlos syndrome, kyphoscoliotic type 1. Last evaluated: 2021-08-14. Review status: criteria provided, single submitter. Criteria: Invitae Variant Classification Sherloc (09022015). Collection method: clinical testing. Allele origin: germline.
Comment: This sequence change replaces glycine with alanine at codon 59 of the PLOD1 protein (p.Gly59Ala). The glycine residue is highly conserved and there is a small physicochemical difference between glycine and alanine. This variant is present in population databases (rs138106022, ExAC 0.02%). This variant has not been reported in the literature in individuals affected with PLOD1-related conditions. Algorithms developed to predict the effect of missense changes on protein structure and function (SIFT, PolyPhen-2, Align-GVGD) all suggest that this variant is likely to be disruptive. In summary, the available evidence is currently insufficient to determine the role of this variant in disease. Therefore, it has been classified as a Variant of Uncertain Significance.